The following is an entry in ClinVar:

ClinVar aggregate classification (germline): Uncertain significance (1 of 4 stars; one submission).

Submission:

Labcorp Genetics (formerly Invitae), Labcorp
Classification: Uncertain significance. Last evaluated: 2022-09-26. Review status: criteria provided, single submitter. Criteria: Invitae Variant Classification Sherloc (09022015). Collection method: clinical testing. Allele origin: germline.
Comment: This variant, c.49_60dup, results in the insertion of 4 amino acid(s) of the LRP5 protein (p.Leu17_Leu20dup), but otherwise preserves the integrity of the reading frame. The frequency data for this variant in the population databases is considered unreliable, as metrics indicate insufficient coverage at this position in the gnomAD database. This variant has been observed in individuals with clinical features of autosomal recessive familial exudative retinopathy (Invitae). Experimental studies and prediction algorithms are not available or were not evaluated, and the functional significance of this variant is currently unknown. In summary, the available evidence is currently insufficient to determine the role of this variant in disease. Therefore, it has been classified as a Variant of Uncertain Significance.

NM_002335.4(LRP5):c.34CTG[13] (p.Leu17_Leu20dup)

Gene: LRP5 (LDL receptor related protein 5; plus strand). Cytogenetic location: 11q13.2.
Variant type: Microsatellite.
Coding change: c.34CTG[13] on transcript NM_002335.4 (MANE Select); 13 copies in a row of the 3-base unit CTG starting at c.34; the reference has nine copies in a row; four copies, 12 bases duplicated.
Protein change: p.Leu17_Leu20dup.
Molecular consequence: inframe insertion. On other transcripts: 5 prime UTR variant (1).
Genome position (GRCh38, 1-based): chr11:68,312,763-68,312,774, CTGCTGCTGCTG duplicated; duplicating any 12 consecutive bases within chr11:68,312,747-68,312,774 gives the same sequence; the position shown is the placement nearest the transcript's 3' end. VCF-style (leftmost placement, unchanged base first): chr11-68312746-C-CGCTGCTGCTGCT. GRCh37 (hg19) VCF-style: chr11-68080214-C-CGCTGCTGCTGCT.
Other names: c.-1732CTG[13] (NM_001291902.2).
Identifiers: ClinVar variation 1520825 (VCV001520825.3), dbSNP rs72555376, ClinGen allele CA912972985.
Genomic context (GRCh38, chr11:68,312,746, plus strand): 5'-GGCGCGGGCCCGTCCGGCCGCCGGACAACATGGAGGCAGCGCCGCCCGGGCCGCCGTGGC[C>CGCTGCTGCTGCT]GCTGCTGCTGCTGCTGCTGCTGCTGCTGGCGCTGTGCGGCTGCCCGGCCCCCGCCGCGGG-3'